The following is an entry in ClinVar:

ClinVar aggregate classification (germline): Uncertain significance (1 of 4 stars; one submission).

Conditions:
Cohen syndrome (COH1). Also called: PEPPER SYNDROME; Cutis verticis gyrata, retinitis pigmentosa, and sensorineural deafness. Identifiers: Orphanet 193, MedGen C0265223, MONDO:0008999, OMIM 216550.

Submission:

Myriad Genetics, Inc.
Classification: Uncertain significance for Cohen syndrome. Last evaluated: 2025-11-20. Review status: criteria provided, single submitter. Criteria: Myriad Autosomal Dominant, Autosomal Recessive and X-Linked Classification Criteria (2023). Collection method: clinical testing. Allele origin: unknown.
Comment: NM_017890.4(VPS13B):c.11119+3_11119+9del7 is an intronic variant classified as a variant of uncertain significance in the context of Cohen syndrome. c.11119+3_11119+9del7 has not been observed in cases with relevant disease. Relevant functional assessments of this variant are not available in the literature. c.11119+3_11119+9del7 has not been observed in referenced population frequency databases. In summary, there is insufficient evidence to classify NM_017890.4(VPS13B):c.11119+3_11119+9del7 as pathogenic or benign. Please note: this variant was assessed in the context of healthy population screening.

NM_152564.5(VPS13B):c.11044+3_11044+9del

Gene: VPS13B (vacuolar protein sorting 13 homolog B; plus strand). Cytogenetic location: 8q22.2.
Variant type: Deletion.
Coding change: c.11044+3_11044+9del on transcript NM_152564.5 (MANE Select); bases 3 to 9 of the intron after coding-DNA position 11044, 7 bases deleted (AGCGGGT; older notation c.11044+3_11044+9delAGCGGGT).
Molecular consequence: splice donor variant.
Genome position (GRCh38, 1-based): chr8:99,859,483-99,859,489, AGCGGGT deleted; deleting any 7 consecutive bases within chr8:99,859,480-99,859,489 gives the same sequence; the c. name uses the placement nearest the transcript's 3' end. VCF-style (leftmost placement, unchanged base first): chr8-99859479-AGGTAGCG-A. GRCh37 (hg19) VCF-style: chr8-100871707-AGGTAGCG-A.
Other names: c.11119+3_11119+9del (NM_017890.5).
Identifiers: ClinVar variation 5004286 (VCV005004286.1).
Genomic context (GRCh38, chr8:99,859,479, plus strand): 5'-TGGAGCCTTCGTGAGTGGCGTCTCCAGAGGGACCACATCGTTTGTAAAGCACATCTCCAA[AGGTAGCG>A]GGTTCCGTTCCTTGTAATAATGCCTTCACTCCTTCCCTTTTTTTTTTTTTTTAAAGAATG-3'